The following is an entry in ClinVar:

ClinVar aggregate classification (germline): Uncertain significance (1 of 4 stars; one submission).

Conditions:
Multiple gastrointestinal atresias. Also called: Multiple intestinal atresia; FAMILIAL INTESTINAL POLYATRESIA SYNDROME. Identifiers: Orphanet 2300, MedGen C0220744, MONDO:0009465.

Submission:

Labcorp Genetics (formerly Invitae), Labcorp
Classification: Uncertain significance for Multiple gastrointestinal atresias. Last evaluated: 2024-06-05. Review status: criteria provided, single submitter. Criteria: Invitae Variant Classification Sherloc (09022015). Collection method: clinical testing. Allele origin: germline.
Comment: This sequence change replaces glutamic acid, which is acidic and polar, with aspartic acid, which is acidic and polar, at codon 193 of the TTC7A protein (p.Glu193Asp). This variant is not present in population databases (gnomAD no frequency). This variant has not been reported in the literature in individuals affected with TTC7A-related conditions. Advanced modeling of protein sequence and biophysical properties (such as structural, functional, and spatial information, amino acid conservation, physicochemical variation, residue mobility, and thermodynamic stability) performed at Invitae indicates that this missense variant is not expected to disrupt TTC7A protein function with a negative predictive value of 80%. In summary, the available evidence is currently insufficient to determine the role of this variant in disease. Therefore, it has been classified as a Variant of Uncertain Significance.

NM_020458.4(TTC7A):c.579G>C (p.Glu193Asp)

Genes: TTC7A (tetratricopeptide repeat domain 7A; plus strand), LOC126806211 (CDK7 strongly-dependent group 2 enhancer GRCh37_chr2:47201305-47202504; plus strand). Cytogenetic location: 2p21.
Variant type: single nucleotide variant.
Coding change: c.579G>C on transcript NM_020458.4 (MANE Select); coding-DNA position 579, G replaced by C.
Protein change: p.Glu193Asp; replaces glutamic acid 193 with aspartic acid.
Molecular consequence: missense variant. On other transcripts: 5 prime UTR variant (1).
Genome position (GRCh38, 1-based): chr2:46,975,034, G>C. VCF-style: chr2-46975034-G-C. GRCh37 (hg19) VCF-style: chr2-47202173-G-C.
Other names: c.579G>C, p.Glu193Asp (NM_001288951.2); c.477G>C, p.Glu159Asp (NM_001288953.2); c.-326G>C (NM_001288955.2); short protein forms E193D, E159D.
Identifiers: ClinVar variation 3655597 (VCV003655597.2).